The following is an entry in ClinVar:

NM_194454.3(KRIT1):c.2151C>T (p.Leu717=)

Gene: KRIT1 (KRIT1 ankyrin repeat containing; minus strand). Cytogenetic location: 7q21.2.
Variant type: single nucleotide variant.
Coding change: c.2151C>T on transcript NM_194454.3 (MANE Select); coding-DNA position 2151, C replaced by T.
Protein change: p.Leu717=; no amino-acid change (leucine 717 retained).
Molecular consequence: synonymous variant.
Genome position (GRCh38, 1-based): chr7:92,200,796, G>A on the plus strand (C>T on the coding strand, the complement: KRIT1 is on the minus strand). VCF-style: chr7-92200796-G-A. GRCh37 (hg19) VCF-style: chr7-91830110-G-A.
Other names: c.2007C>T, p.Leu669= (NM_001013406.2, NM_001350669.1, NM_001350670.1); c.1437C>T, p.Leu479= (NM_001350671.1); c.2151C>T, p.Leu717= (NM_001350672.1, NM_001350673.1, NM_001350674.1 and 26 more transcripts).
Identifiers: ClinVar variation 3035010 (VCV003035010.2), dbSNP rs373944904, ClinGen allele CA4338933.

ClinVar aggregate classification (germline): Likely benign (0 of 4 stars; one submission).

Conditions:
KRIT1-related disorder. Also called: KRIT1-related condition; KRIT1-related disorders.

Allele frequency attached by ClinVar (database versions not stated): ExAC 0.00002; ESP Exome Variant Server 0.00008.
gnomAD v4.1: 16 of 1,599,904 alleles (0.001%); highest among the groups gnomAD compares: African/African-American, 0.0027%; no homozygotes.

Submission:

PreventionGenetics, part of Exact Sciences
Classification: Likely benign for KRIT1-related condition. Last evaluated: 2019-08-12. Review status: no assertion criteria provided. Collection method: clinical testing. Allele origin: germline.
Comment: This variant is classified as likely benign based on ACMG/AMP sequence variant interpretation guidelines (Richards et al. 2015 PMID: 25741868, with internal and published modifications).